The following is an entry in ClinVar:

ClinVar aggregate classification (germline): Uncertain significance. Review status: criteria provided, multiple submitters, no conflicts (2 of 4 stars). 2 submissions from 2 submitters: Uncertain significance (2). Last evaluated 2026-08-16.

Conditions:
Inborn genetic diseases. Identifiers: MedGen C0950123, MeSH D030342.
Congenital factor V deficiency. Also called: Hereditary factor V deficiency disease; LABILE FACTOR DEFICIENCY; OWREN PARAHEMOPHILIA; PARAHEMOPHILIA. Identifiers: Orphanet 326, MedGen C0015499, MONDO:0009210, OMIM 227400.

Submissions (2):

Ambry Genetics
Classification: Uncertain significance for Inborn genetic diseases. Last evaluated: 2026-08-16. Review status: criteria provided, single submitter. Criteria: Ambry Variant Classification Scheme 2023. Collection method: clinical testing. Allele origin: germline.
Comment: The p.P1144S variant (also known as c.3430C>T), located in coding exon 13 of the F5 gene, results from a C to T substitution at nucleotide position 3430. The proline at codon 1144 is replaced by serine, an amino acid with similar properties. This amino acid position is conserved. In addition, this alteration is predicted to be tolerated by in silico analysis. Based on the available evidence, the clinical significance of this variant remains unclear.

Labcorp Genetics (formerly Invitae), Labcorp
Classification: Uncertain significance for Congenital factor V deficiency. Last evaluated: 2024-12-26. Review status: criteria provided, single submitter. Criteria: Invitae Variant Classification Sherloc (09022015). Collection method: clinical testing. Allele origin: germline.
Comment: This sequence change replaces proline, which is neutral and non-polar, with serine, which is neutral and polar, at codon 1144 of the F5 protein (p.Pro1144Ser). This variant is present in population databases (rs780923001, gnomAD 0.01%). This variant has not been reported in the literature in individuals affected with F5-related conditions. Invitae Evidence Modeling of protein sequence and biophysical properties (such as structural, functional, and spatial information, amino acid conservation, physicochemical variation, residue mobility, and thermodynamic stability) indicates that this missense variant is not expected to disrupt F5 protein function with a negative predictive value of 80%. In summary, the available evidence is currently insufficient to determine the role of this variant in disease. Therefore, it has been classified as a Variant of Uncertain Significance.

NM_000130.5(F5):c.3430C>T (p.Pro1144Ser)

Gene: F5 (coagulation factor V; minus strand). Cytogenetic location: 1q24.2.
Variant type: single nucleotide variant.
Coding change: c.3430C>T on transcript NM_000130.5 (MANE Select); coding-DNA position 3430, C replaced by T.
Protein change: p.Pro1144Ser; replaces proline 1144 with serine.
Molecular consequence: missense variant.
Genome position (GRCh38, 1-based): chr1:169,541,660, G>A on the plus strand (C>T on the coding strand, the complement: F5 is on the minus strand). VCF-style: chr1-169541660-G-A. GRCh37 (hg19) VCF-style: chr1-169510898-G-A.
Other names: short protein forms P1144S.
Identifiers: ClinVar variation 3709066 (VCV003709066.2).